The following is an entry in ClinVar:

NM_006651.4(CPLX1):c.326T>C (p.Val109Ala)

Gene: CPLX1 (complexin 1; minus strand). Cytogenetic location: 4p16.3.
Variant type: single nucleotide variant.
Coding change: c.326T>C on transcript NM_006651.4 (MANE Select); coding-DNA position 326, T replaced by C.
Protein change: p.Val109Ala; replaces valine 109 with alanine.
Molecular consequence: missense variant.
Genome position (GRCh38, 1-based): chr4:786,580, A>G on the plus strand (T>C on the coding strand, the complement: CPLX1 is on the minus strand). VCF-style: chr4-786580-A-G. GRCh37 (hg19) VCF-style: chr4-780368-A-G.
Other names: short protein forms V109A.
Identifiers: ClinVar variation 2084875 (VCV002084875.5), dbSNP rs775562518, ClinGen allele CA355921424.
Genomic context (GRCh38, chr4:786,580, plus strand): 5'-TGCAGCGGCCCGGGCAGGTACTTGATGACGGTGTCCAGGATGCTCTCGTCCTCCTCCTCC[A>G]CCTCGTCCCCGCAGCCCGGCGGGATGGCCTTCTTGGGCCGCGTCAAGCTCCCCTCGGAGT-3'
Protein context (NP_006642.1, residues 99-119): KAIPPGCGDE[Val109Ala]EEEDESILDT

ClinVar aggregate classification (germline): Uncertain significance. Review status: criteria provided, multiple submitters, no conflicts (2 of 4 stars). 2 submissions from 2 submitters: Uncertain significance (2). Last evaluated 2022-09-28.

Conditions:
Inborn genetic diseases. Identifiers: MedGen C0950123, MeSH D030342.

Allele frequency attached by ClinVar (database versions not stated): gnomAD exomes 0.00001.
gnomAD v4.1: 3 of 1,610,108 alleles (0.00019%); highest among the groups gnomAD compares: Non-Finnish European, 0.00025%; no homozygotes.

Submissions (2):

Ambry Genetics
Classification: Uncertain significance for Inborn genetic diseases. Last evaluated: 2022-09-28. Review status: criteria provided, single submitter. Criteria: Ambry Variant Classification Scheme 2023. Collection method: clinical testing. Allele origin: germline.

Labcorp Genetics (formerly Invitae), Labcorp
Classification: Uncertain significance. Last evaluated: 2022-01-16. Review status: criteria provided, single submitter. Criteria: Invitae Variant Classification Sherloc (09022015). Collection method: clinical testing. Allele origin: germline.
Comment: In summary, the available evidence is currently insufficient to determine the role of this variant in disease. Therefore, it has been classified as a Variant of Uncertain Significance. Algorithms developed to predict the effect of missense changes on protein structure and function output the following: SIFT: "Tolerated"; PolyPhen-2: "Benign"; Align-GVGD: "Class C0". The alanine amino acid residue is found in multiple mammalian species, which suggests that this missense change does not adversely affect protein function. This variant has not been reported in the literature in individuals affected with CPLX1-related conditions. This variant is not present in population databases (gnomAD no frequency). This sequence change replaces valine, which is neutral and non-polar, with alanine, which is neutral and non-polar, at codon 109 of the CPLX1 protein (p.Val109Ala).